The following is an entry in ClinVar:

NM_020207.7(ERCC6L2):c.1577A>C (p.Lys526Thr)

Gene: ERCC6L2 (ERCC excision repair 6 like 2; plus strand). Cytogenetic location: 9q22.32.
Variant type: single nucleotide variant.
Coding change: c.1577A>C on transcript NM_020207.7 (MANE Select); coding-DNA position 1577, A replaced by C.
Protein change: p.Lys526Thr; replaces lysine 526 with threonine.
Molecular consequence: missense variant. On other transcripts: non-coding transcript variant (1).
Genome position (GRCh38, 1-based): chr9:95,928,122, A>C. VCF-style: chr9-95928122-A-C. GRCh37 (hg19) VCF-style: chr9-98690404-A-C.
Other names: c.1577A>C, p.Lys526Thr (NM_001010895.4, NM_001375291.1, NM_001375292.1 and 2 more transcripts); short protein forms K526T.
Identifiers: ClinVar variation 4250595 (VCV004250595.1).

ClinVar aggregate classification (germline): Uncertain significance (1 of 4 stars; one submission).

Conditions:
Inborn genetic diseases. Identifiers: MedGen C0950123, MeSH D030342.

Submission:

Ambry Genetics
Classification: Uncertain significance for Inborn genetic diseases. Last evaluated: 2025-07-22. Review status: criteria provided, single submitter. Criteria: Ambry Variant Classification Scheme 2023. Collection method: clinical testing. Allele origin: germline.
Comment: The p.K526T variant (also known as c.1577A>C), located in coding exon 10 of the ERCC6L2 gene, results from an A to C substitution at nucleotide position 1577. The lysine at codon 526 is replaced by threonine, an amino acid with similar properties. This amino acid position is conserved. In addition, this alteration is predicted to be deleterious by in silico analysis. Based on the available evidence, the clinical significance of this variant remains unclear.